The following is an entry in ClinVar:

ClinVar aggregate classification (germline): Uncertain significance. Review status: criteria provided, multiple submitters, no conflicts (2 of 4 stars). 2 submissions from 2 submitters: Uncertain significance (2). Last evaluated 2024-04-16.

Allele frequency attached by ClinVar (database versions not stated): gnomAD 0.00001; gnomAD exomes 0.00002; ExAC 0.00003.
gnomAD v4.1: 32 of 1,318,506 alleles (0.0024%); highest among the groups gnomAD compares: Admixed American, 0.0068%; 1 homozygote.

Submissions (2):

GeneDx
Classification: Uncertain significance. Last evaluated: 2024-04-16. Review status: criteria provided, single submitter. Criteria: GeneDx Variant Classification Process June 2021. Collection method: clinical testing. Allele origin: germline. Affected: yes.
Comment: In silico analysis supports that this missense variant has a deleterious effect on protein structure/function; Has not been previously published as pathogenic or benign to our knowledge

CeGaT Center for Human Genetics Tuebingen
Classification: Uncertain significance. Last evaluated: 2023-07-01. Review status: criteria provided, single submitter. Criteria: CeGaT Center For Human Genetics Tuebingen Variant Classification Criteria Version 2. Collection method: clinical testing. Allele origin: germline. Affected: yes. Observed: 1 variant allele.
Comment: PLXND1: PM2, PS2:Moderate

NM_015103.3(PLXND1):c.1466C>T (p.Thr489Met)

Gene: PLXND1 (plexin D1; minus strand). Cytogenetic location: 3q22.1.
Variant type: single nucleotide variant.
Coding change: c.1466C>T on transcript NM_015103.3 (MANE Select); coding-DNA position 1466, C replaced by T.
Protein change: p.Thr489Met; replaces threonine 489 with methionine.
Molecular consequence: missense variant.
Genome position (GRCh38, 1-based): chr3:129,589,373, G>A on the plus strand (C>T on the coding strand, the complement: PLXND1 is on the minus strand). VCF-style: chr3-129589373-G-A. GRCh37 (hg19) VCF-style: chr3-129308216-G-A.
Other names: c.1466C>T (NM_015103.2); short protein forms T489M.
Identifiers: ClinVar variation 2654129 (VCV002654129.25), dbSNP rs771612189, ClinGen allele CA2609379.
Genomic context (GRCh38, chr3:129,589,373, plus strand): 5'-CACCCCCACCCCCTCCCCACATCCCCAACCATACCTACCTTGAGAAGCCTCCCGTTGACC[G>A]TGCCCAGGAAGACCGCTGTGTAGTTGTTGACGCTGGCCACGGCCACGGAGGTGAGGCCCG-3'
Protein context (NP_055918.3, residues 479-499): VNNYTAVFLG[Thr489Met]VNGRLLKINL